The following is an entry in ClinVar:

NM_003200.5(TCF3):c.996C>T (p.Leu332=)

Gene: TCF3 (transcription factor 3; minus strand). Cytogenetic location: 19p13.3.
Variant type: single nucleotide variant.
Coding change: c.996C>T on transcript NM_003200.5 (MANE Select); coding-DNA position 996, C replaced by T.
Protein change: p.Leu332=; no amino-acid change (leucine 332 retained).
Molecular consequence: synonymous variant.
Genome position (GRCh38, 1-based): chr19:1,621,151, G>A on the plus strand (C>T on the coding strand, the complement: TCF3 is on the minus strand). VCF-style: chr19-1621151-G-A. GRCh37 (hg19) VCF-style: chr19-1621150-G-A.
Other names: c.996C>T, p.Leu332= (NM_001136139.4, NM_001351778.2, NM_001351779.2).
Identifiers: ClinVar variation 1551912 (VCV001551912.32), dbSNP rs368277155, ClinGen allele CA9050120.
Genomic context (GRCh38, chr19:1,621,151, plus strand): 5'-TCAGGTCACTTGCCTGGCCACCCCCCATGCCCCACGCCTCACCGAGGCCAGTGCTTTGCC[G>A]AGGGCATCCCCGGAGCTGCCAGCTGTGGTCCCTCGGGAGCCTGTGGGTGAAGAGAGGTGA-3'
Protein context (NP_003191.1, residues 322-342): GTTAGSSGDA[Leu332=]GKALASIYSP

ClinVar aggregate classification (germline): Likely benign. Review status: criteria provided, multiple submitters, no conflicts (2 of 4 stars). 3 submissions from 3 submitters: Likely benign (3). Last evaluated 2025-09-07.

Allele frequency attached by ClinVar (database versions not stated): gnomAD exomes 0.00006 and 0.00009; gnomAD 0.00008 and 0.00009; TOPMed 0.00009; ExAC 0.00017; ESP Exome Variant Server 0.00017.
gnomAD v4.1: 141 of 1,541,006 alleles (0.0091%); highest among the groups gnomAD compares: Non-Finnish European, 0.011%; 1 homozygote.

Submissions (3):

Labcorp Genetics (formerly Invitae), Labcorp
Classification: Likely benign. Last evaluated: 2025-09-07. Review status: criteria provided, single submitter. Criteria: Invitae Variant Classification Sherloc (09022015). Collection method: clinical testing. Allele origin: germline.

Blueprint Genetics
Classification: Likely benign. Last evaluated: 2024-10-08. Review status: criteria provided, single submitter. Criteria: ACMG Guidelines, 2015. Collection method: clinical testing. Allele origin: germline.

CeGaT Center for Human Genetics Tuebingen
Classification: Likely benign. Last evaluated: 2023-03-01. Review status: criteria provided, single submitter. Criteria: CeGaT Center For Human Genetics Tuebingen Variant Classification Criteria Version 2. Collection method: clinical testing. Allele origin: germline. Affected: yes. Observed: 1 variant allele.
Comment: TCF3: BP4, BP7